The following is an entry in ClinVar:

NM_000359.3(TGM1):c.1073G>A (p.Ser358Asn)

Gene: TGM1 (transglutaminase 1; minus strand). Cytogenetic location: 14q12.
Variant type: single nucleotide variant.
Coding change: c.1073G>A on transcript NM_000359.3 (MANE Select); coding-DNA position 1073, G replaced by A.
Protein change: p.Ser358Asn; replaces serine 358 with asparagine.
Molecular consequence: missense variant.
Genome position (GRCh38, 1-based): chr14:24,259,161, C>T on the plus strand (G>A on the coding strand, the complement: TGM1 is on the minus strand). VCF-style: chr14-24259161-C-T. GRCh37 (hg19) VCF-style: chr14-24728367-C-T.
Other names: c.1073G>A (NM_000359.2); short protein forms S358N.
Identifiers: ClinVar variation 3008283 (VCV003008283.5), dbSNP rs2502501800, ClinGen allele CA389264663.
Genomic context (GRCh38, chr14:24,259,161, plus strand): 5'-CAGCACTGGCCATAGGGGACGGAATATCCCGTGCGTAGGTAGCTAAGCAGGATCTCCACG[C>T]TGCCCACCCACGCTGATGGGTTGGTGCCTCGGGAGTAATCACCAGACCAGTTCCCAATCA-3'
Protein context (NP_000350.1, residues 348-368): RGTNPSAWVG[Ser358Asn]VEILLSYLRT

ClinVar aggregate classification (germline): Conflicting classifications of pathogenicity. Review status: criteria provided, conflicting classifications (1 of 4 stars). 3 submissions from 3 submitters: Likely pathogenic (1); Uncertain significance (1). 1 of the submissions does not count toward it. Last evaluated 2025-12-28.

Conditions:
Autosomal recessive congenital ichthyosis 1 (LI1). Also called: ICHTHYOSIS, CONGENITAL, AUTOSOMAL RECESSIVE 1, WITH BATHING SUIT DISTRIBUTION; ICHTHYOSIS, CONGENITAL, AUTOSOMAL RECESSIVE 1, WITH OR WITHOUT BATHING SUIT DISTRIBUTION; COLLODION FETUS; DESQUAMATION OF NEWBORN; ICHTHYOSIS CONGENITA; ICHTHYOSIS CONGENITA II. Identifiers: MedGen C4551630, MONDO:0009441, OMIM 242300.

Submissions (3):

Myriad Genetics, Inc.
Classification: Uncertain significance for Autosomal recessive congenital ichthyosis 1. Last evaluated: 2025-12-28. Review status: criteria provided, single submitter. Criteria: Myriad Autosomal Dominant, Autosomal Recessive and X-Linked Classification Criteria (2023). Collection method: clinical testing. Allele origin: unknown.
Comment: NM_000359.2(TGM1):c.1073G>A(S358N) is a missense variant classified as a variant of uncertain significance in the context of TGM1-related autosomal recessive congenital ichthyosis. S358N has not been observed in cases with relevant disease. Relevant functional assessments of this variant are not available in the literature. S358N has not been observed in referenced population frequency databases. In summary, there is insufficient evidence to classify NM_000359.2(TGM1):c.1073G>A(S358N) as pathogenic or benign. Please note: this variant was assessed in the context of healthy population screening.

Labcorp Genetics (formerly Invitae), Labcorp
Classification: Likely pathogenic. Last evaluated: 2023-07-22. Review status: criteria provided, single submitter. Criteria: Invitae Variant Classification Sherloc (09022015). Collection method: clinical testing. Allele origin: germline.
Comment: This sequence change replaces serine, which is neutral and polar, with asparagine, which is neutral and polar, at codon 358 of the TGM1 protein (p.Ser358Asn). In summary, the currently available evidence indicates that the variant is pathogenic, but additional data are needed to prove that conclusively. Therefore, this variant has been classified as Likely Pathogenic. This variant disrupts the p.Ser358 amino acid residue in TGM1. Other variant(s) that disrupt this residue have been determined to be pathogenic (PMID: 9261103, 27025581, 28403434). This suggests that this residue is clinically significant, and that variants that disrupt this residue are likely to be disease-causing. Advanced modeling of protein sequence and biophysical properties (such as structural, functional, and spatial information, amino acid conservation, physicochemical variation, residue mobility, and thermodynamic stability) performed at Invitae indicates that this missense variant is expected to disrupt TGM1 protein function. This variant has not been reported in the literature in individuals affected with TGM1-related conditions. This variant is not present in population databases (gnomAD no frequency).

Natera, Inc.
Classification: Uncertain significance for Autosomal recessive congenital ichthyosis type 1. Last evaluated: 2025-01-31. Review status: no assertion criteria provided. Collection method: clinical testing. Allele origin: germline. Not counted in ClinVar's aggregate classification.

Literature cited by the submitters: PubMed 9261103 (cited by Labcorp Genetics (formerly Invitae), Labcorp); PubMed 27025581 (cited by Labcorp Genetics (formerly Invitae), Labcorp); PubMed 28403434 (cited by Labcorp Genetics (formerly Invitae), Labcorp).